The following is an entry in ClinVar:

NM_000152.5(GAA):c.1555A>G (p.Met519Val)

Gene: GAA (alpha glucosidase; plus strand). Cytogenetic location: 17q25.3.
Variant type: single nucleotide variant.
Coding change: c.1555A>G on transcript NM_000152.5 (MANE Select); coding-DNA position 1555, A replaced by G.
Protein change: p.Met519Val; replaces methionine 519 with valine.
Molecular consequence: missense variant.
Genome position (GRCh38, 1-based): chr17:80,110,944, A>G. VCF-style: chr17-80110944-A-G. GRCh37 (hg19) VCF-style: chr17-78084743-A-G.
Other names: c.1555A>G, p.Met519Val (NM_001079803.3, NM_001079804.3); c.1555A>G (NM_000152.4); short protein forms M519V.
Identifiers: ClinVar variation 1067893 (VCV001067893.17), dbSNP rs1598581919, ClinGen allele CA401367186.

ClinVar aggregate classification (germline): Conflicting classifications of pathogenicity. Review status: criteria provided, conflicting classifications (1 of 4 stars). 7 submissions from 7 submitters: Pathogenic (3); Likely pathogenic (2); Uncertain significance (2). Last evaluated 2026-07-01.

Conditions:
Glycogen storage disease, type II (IOPD). Also called: CARDIOMEGALIA GLYCOGENICA DIFFUSA; GLYCOGENOSIS, GENERALIZED, CARDIAC FORM; GSD II; Glycogen storage disease type 2; Acid maltase deficiency disease; Aglucosidase alfa. Identifiers: Orphanet 365, MedGen C0017921, MONDO:0009290, OMIM 232300.

Submissions (7):

Genomenon, Inc
Classification: Likely pathogenic for Glycogen storage disease, type II. Last evaluated: 2026-07-01. Review status: criteria provided, single submitter. Criteria: Genomenon Sequence Variant Interpretation Standards - Updated. Collection method: curation. Allele origin: germline. Affected: yes.
Comment: GAA p.Met519Val (c.1555A>G) is a missense variant that changes the amino acid at codon 519 from Methionine to Valine. This variant has been observed in at least one proband with a GAA-related disorder in the compound heterozygous and/or homozygous state (PMID:39375771;10189220;25256446). At least one functional study has demonstrated a substantial alteration in protein function relative to the wild-type (PMID:7866409;9535769;19862843;25256446). The variant is located in a mutational hotspot and/or important functional domain. It is absent or not present at a significant frequency in gnomAD. In silico models predict that this variant is possibly or probably damaging. In conclusion, we classify GAA p.Met519Val (c.1555A>G) as a likely pathogenic variant.

Women's Health and Genetics/Laboratory Corporation of America, LabCorp
Classification: Pathogenic for Glycogen storage disease, type II. Last evaluated: 2025-07-15. Review status: criteria provided, single submitter. Criteria: LabCorp Variant Classification Summary - May 2015. Collection method: clinical testing. Allele origin: germline.
Comment: Variant summary: GAA c.1555A>G (p.Met519Val) results in a conservative amino acid change in the encoded protein sequence. Algorithms developed to predict the effect of missense changes on protein structure and function are either unavailable or do not agree on the potential impact of this missense change. The variant was absent in 251282 control chromosomes (gnomAD). c.1555A>G has been observed in individuals affected with Glycogen Storage Disease, Type 2 (Pompe Disease)(e.g., Raben_1999, Hu_2018, Mir_2024). These data indicate that the variant is likely to be associated with disease. Publications report experimental evidence evaluating an impact on protein function. The most pronounced variant effect results in <10% of normal enzymatic activity (Huie_1994, Flanagan_2009). The following publications have been ascertained in the context of this evaluation (PMID: 7866409, 10189220, 19862843, 29095814, 39375771). ClinVar contains an entry for this variant (Variation ID: 1067893). Based on the evidence outlined above, the variant was classified as pathogenic.

Natera, Inc.
Classification: Pathogenic for Glycogen storage disease type II. Last evaluated: 2025-05-14. Review status: criteria provided, single submitter. Criteria: Natera Variant Classification Schema (03/2026). Collection method: clinical testing. Allele origin: germline.
Comment: The c.1555A>G variant in GAA is a missense variant predicted to cause substitution of methionine to valine at amino acid 519. This variant is rare in the general population with a frequency below the threshold expected for the associated phenotype(s). This variant has been observed in one or more individuals affected with the associated recessive disease, as either homozygous or compound heterozygous with a second variant (PMID: 39375771, 29095814, 10189220). Functional studies show that this variant may disrupt protein function (PMID: 19862843, 7866409). This variant is located in a functionally critical region of the protein. A different variant at the same position has been determined to be Pathogenic or Likely Pathogenic. Computational prediction algorithms indicate this variant is likely to affect gene or protein function. Given the available evidence, this variant is classified as Pathogenic.

Baylor Genetics
Classification: Likely pathogenic for Glycogen storage disease, type II. Last evaluated: 2023-03-11. Review status: criteria provided, single submitter. Criteria: ACMG Guidelines, 2015. Collection method: clinical testing. Allele origin: unknown.

AiLife Diagnostics
Classification: Uncertain significance. Last evaluated: 2021-05-26. Review status: criteria provided, single submitter. Criteria: ACMG Guidelines, 2015. Collection method: clinical testing. Allele origin: germline. Affected: yes. Observed: 1 variant allele.

Labcorp Genetics (formerly Invitae), Labcorp
Classification: Pathogenic for Glycogen storage disease, type II. Last evaluated: 2021-03-05. Review status: criteria provided, single submitter. Criteria: Invitae Variant Classification Sherloc (09022015). Collection method: clinical testing. Allele origin: germline.
Comment: This sequence change replaces methionine with valine at codon 519 of the GAA protein (p.Met519Val). The methionine residue is highly conserved and there is a small physicochemical difference between methionine and valine. This variant is not present in population databases (ExAC no frequency). This variant has been observed in individual(s) with Pompe disease (PMID: 7866409). Advanced modeling of protein sequence and biophysical properties (such as structural, functional, and spatial information, amino acid conservation, physicochemical variation, residue mobility, and thermodynamic stability) performed at Invitae indicates that this missense variant is expected to disrupt GAA protein function. Experimental studies have shown that this variant affects GAA protein function (PMID: 7866409, 19862843). This variant disrupts the p.Met519 amino acid residue in GAA. Other variant(s) that disrupt this residue have been determined to be pathogenic (PMID: 14695532, 31193175, 31342611). This suggests that this residue is clinically significant, and that variants that disrupt this residue are likely to be disease-causing. For these reasons, this variant has been classified as Pathogenic.

Revvity Omics, Revvity
Classification: Uncertain significance. Last evaluated: 2020-05-29. Review status: criteria provided, single submitter. Criteria: ACMG Guidelines, 2015. Collection method: clinical testing. Allele origin: germline.

Literature cited by the submitters: PubMed 39375771 (cited by 3 submitters); PubMed 10189220 (cited by 3 submitters); PubMed 25256446 (cited by Genomenon, Inc); PubMed 7866409 (cited by 5 submitters); PubMed 9535769 (cited by Genomenon, Inc); PubMed 19862843 (cited by 5 submitters); PubMed 29095814 (cited by Women's Health and Genetics/Laboratory Corporation of America, LabCorp and Natera, Inc.); PubMed 14695532 (cited by Labcorp Genetics (formerly Invitae), Labcorp); PubMed 31193175 (cited by Labcorp Genetics (formerly Invitae), Labcorp); PubMed 31342611 (cited by Labcorp Genetics (formerly Invitae), Labcorp).